The following is an entry in ClinVar:

ClinVar aggregate classification (germline): Uncertain significance (1 of 4 stars; one submission).

Conditions:
Familial focal epilepsy with variable foci (FPEVF). Identifiers: Orphanet 98820, MedGen C1858477, MONDO:0020310.

Submission:

Labcorp Genetics (formerly Invitae), Labcorp
Classification: Uncertain significance for Familial focal epilepsy with variable foci. Last evaluated: 2022-07-15. Review status: criteria provided, single submitter. Criteria: Invitae Variant Classification Sherloc (09022015). Collection method: clinical testing. Allele origin: germline.
Comment: In summary, the available evidence is currently insufficient to determine the role of this variant in disease. Therefore, it has been classified as a Variant of Uncertain Significance. Algorithms developed to predict the effect of missense changes on protein structure and function are either unavailable or do not agree on the potential impact of this missense change (SIFT: "Tolerated"; PolyPhen-2: "Not Available"; Align-GVGD: "Class C0"). This variant has not been reported in the literature in individuals affected with DEPDC5-related conditions. This variant is not present in population databases (gnomAD no frequency). This sequence change replaces threonine, which is neutral and polar, with serine, which is neutral and polar, at codon 205 of the DEPDC5 protein (p.Thr205Ser).

NM_001242896.3(DEPDC5):c.613A>T (p.Thr205Ser)

Gene: DEPDC5 (DEP domain containing 5, GATOR1 subcomplex subunit; plus strand). Cytogenetic location: 22q12.2.
Variant type: single nucleotide variant.
Coding change: c.613A>T on transcript NM_001242896.3 (MANE Select); coding-DNA position 613, A replaced by T.
Protein change: p.Thr205Ser; replaces threonine 205 with serine.
Molecular consequence: missense variant. On other transcripts: non-coding transcript variant (5).
Genome position (GRCh38, 1-based): chr22:31,784,864, A>T. VCF-style: chr22-31784864-A-T. GRCh37 (hg19) VCF-style: chr22-32180850-A-T.
Other names: c.613A>T, p.Thr205Ser (NM_001007188.4, NM_001136029.4, NM_001242897.2 and 7 more transcripts); c.529A>T, p.Thr177Ser (NM_001369901.1, NM_001369902.1); short protein forms T177S, T205S.
Identifiers: ClinVar variation 1713630 (VCV001713630.5), dbSNP rs770896892, ClinGen allele CA411286326.